The following is an entry in ClinVar:

NM_001394062.1(MACF1):c.19924G>C (p.Glu6642Gln)

Gene: MACF1 (microtubule actin crosslinking factor 1; plus strand). Cytogenetic location: 1p34.3.
Variant type: single nucleotide variant.
Coding change: c.19924G>C on transcript NM_001394062.1 (MANE Select); coding-DNA position 19924, G replaced by C.
Protein change: p.Glu6642Gln; replaces glutamic acid 6642 with glutamine.
Molecular consequence: missense variant.
Genome position (GRCh38, 1-based): chr1:39,447,854, G>C. VCF-style: chr1-39447854-G-C. GRCh37 (hg19) VCF-style: chr1-39913526-G-C.
Other names: c.13747G>C, p.Glu4583Gln (NM_012090.5); short protein forms E4583Q, E6642Q.
Identifiers: ClinVar variation 1299672 (VCV001299672.1), dbSNP rs2148673732, ClinGen allele CA339820116.

ClinVar aggregate classification (germline): Uncertain significance (1 of 4 stars; one submission).

Conditions:
Lissencephaly 9 with complex brainstem malformation. Identifiers: Orphanet 572013, MedGen C5193029, MONDO:0032677, OMIM 618325.

Submission:

Breda Genetics srl
Classification: Uncertain significance for Lissencephaly 9 with complex brainstem malformation. Last evaluated: 2021-07-20. Review status: criteria provided, single submitter. Criteria: ACMG Guidelines, 2015. Collection method: clinical testing. Allele origin: germline. Inheritance: Autosomal dominant inheritance. Affected: yes. Observed: 1 variant allele, 1 heterozygote.
Comment: Based on allele frequency, in-silico prediction scores and a certain overlap with the clinical phenotype, we interpreted this variant at least as of uncertain significance. The lack of one or more of the following features has discouraged further investigations: lack of a possible second hit in autosomal recessive conditions, presence of healthy controls in databases for autosomal dominant conditions, presence of unmatching cardinal clinical features in the patient or in the known gene-disease association, and/or variant type outside the known gene mutational spectrum.